The following is an entry in ClinVar:

NM_015166.4(MLC1):c.702del (p.Phe233_Trp234insTer)

Gene: MLC1 (modulator of VRAC current 1; minus strand). Cytogenetic location: 22q13.33.
Variant type: Deletion.
Coding change: c.702del on transcript NM_015166.4 (MANE Select); coding-DNA position 702, one base deleted (G; older notation c.702delG).
Protein change: p.Phe233_Trp234insTer.
Molecular consequence: nonsense. On other transcripts: non-coding transcript variant (3).
Genome position (GRCh38, 1-based): chr22:50,074,228, C deleted on the plus strand (G on the coding strand, the reverse complement: MLC1 is on the minus strand); the first of 2 consecutive C bases (chr22:50,074,228-50,074,229); deleting either gives the same sequence. VCF-style (leftmost placement, unchanged base first): chr22-50074227-TC-T. GRCh37 (hg19) VCF-style: chr22-50512656-TC-T.
Other names: c.702del, p.Phe233_Trp234insTer (NM_139202.3, NM_001376476.1, NM_001376477.1 and 6 more transcripts); c.612del, p.Phe203_Trp204insTer (NM_001376480.1); c.600del, p.Phe199_Trp200insTer (NM_001376481.1); c.546del, p.Phe181_Trp182insTer (NM_001376482.1, NM_001376483.1); c.465del, p.Phe154_Trp155insTer (NM_001376484.1).
Identifiers: ClinVar variation 3633075 (VCV003633075.2).

ClinVar aggregate classification (germline): Pathogenic (1 of 4 stars; one submission).

Submission:

Labcorp Genetics (formerly Invitae), Labcorp
Classification: Pathogenic. Last evaluated: 2024-10-07. Review status: criteria provided, single submitter. Criteria: Invitae Variant Classification Sherloc (09022015). Collection method: clinical testing. Allele origin: germline.
Comment: This sequence change creates a premature translational stop signal (p.Trp234*) in the MLC1 gene. It is expected to result in an absent or disrupted protein product. Loss-of-function variants in MLC1 are known to be pathogenic (PMID: 11254442, 16470554, 24824219). This variant is present in population databases (rs781096159, gnomAD 0.0009%). This premature translational stop signal has been observed in individual(s) with MLC1-related conditions (PMID: 25497041). This variant is also known as c.701G>A (p.W234*) . Algorithms developed to predict the effect of sequence changes on RNA splicing suggest that this variant may disrupt the consensus splice site. For these reasons, this variant has been classified as Pathogenic.

Literature cited by the submitters: PubMed 11254442; PubMed 16470554; PubMed 24824219; PubMed 25497041.